The following is an entry in ClinVar:

NM_144666.3(DNHD1):c.13285C>T (p.Arg4429Ter)

Gene: DNHD1 (dynein heavy chain domain 1; plus strand). Cytogenetic location: 11p15.4.
Variant type: single nucleotide variant.
Coding change: c.13285C>T on transcript NM_144666.3 (MANE Select); coding-DNA position 13285, C replaced by T.
Protein change: p.Arg4429Ter; replaces arginine 4429 with a stop codon.
Molecular consequence: nonsense.
Genome position (GRCh38, 1-based): chr11:6,570,797, C>T. VCF-style: chr11-6570797-C-T. GRCh37 (hg19) VCF-style: chr11-6592027-C-T.
Other names: short protein forms R4429*.
Identifiers: ClinVar variation 931575 (VCV000931575.3), dbSNP rs201400447, ClinGen allele CA5857079.

ClinVar aggregate classification (germline): Uncertain significance (1 of 4 stars; one submission).

Allele frequency attached by ClinVar (database versions not stated): ExAC 0.00002; TOPMed 0.00006; gnomAD exomes 0.00003.
gnomAD v4.1: 59 of 1,613,550 alleles (0.0037%); highest among the groups gnomAD compares: Admixed American, 0.005%; no homozygotes.

Submission:

Centre for Mendelian Genomics, University Medical Centre Ljubljana
Classification: Uncertain significance. Last evaluated: 2019-07-08. Review status: criteria provided, single submitter. Criteria: ACMG Guidelines, 2015. Collection method: clinical testing. Allele origin: unknown. Affected: yes.
Comment: This variant was classified as: Uncertain significance. The available evidence on this variant's pathogenicity is insufficient or conflicting. The following ACMG criteria were applied in classifying this variant: No criteria apply.